The following is an entry in ClinVar:

NM_004183.4(BEST1):c.1100+4T>C

Gene: BEST1 (bestrophin 1; plus strand). Cytogenetic location: 11q12.3.
Variant type: single nucleotide variant.
Coding change: c.1100+4T>C on transcript NM_004183.4 (MANE Select); 4 bases into the intron after coding-DNA position 1100, T replaced by C.
Molecular consequence: intron variant.
Genome position (GRCh38, 1-based): chr11:61,960,047, T>C. VCF-style: chr11-61960047-T-C. GRCh37 (hg19) VCF-style: chr11-61727519-T-C.
Other names: c.1303+4T>C (NM_001363592.2); c.1100+4T>C (NM_001440571.1); c.1019+4T>C (NM_001440572.1); c.947+4T>C (NM_001440573.1); c.920+4T>C (NM_001139443.3, NM_001300787.2); c.839+4T>C (NM_001440574.1, NM_001300786.2); c.767+4T>C (NM_001440575.1); c.686+4T>C (NM_001440576.1); and 2 more.
Identifiers: ClinVar variation 2088591 (VCV002088591.4), dbSNP rs1941899954, ClinGen allele CA2580084434.

ClinVar aggregate classification (germline): Uncertain significance (1 of 4 stars; one submission).

gnomAD v4.1: 1 of 1,606,812 alleles (0.000062%); highest among the groups gnomAD compares: Admixed American, 0.0017%; no homozygotes.

Submission:

Labcorp Genetics (formerly Invitae), Labcorp
Classification: Uncertain significance. Last evaluated: 2022-01-31. Review status: criteria provided, single submitter. Criteria: Invitae Variant Classification Sherloc (09022015). Collection method: clinical testing. Allele origin: germline.
Comment: In summary, the available evidence is currently insufficient to determine the role of this variant in disease. Therefore, it has been classified as a Variant of Uncertain Significance. Variants that disrupt the consensus splice site are a relatively common cause of aberrant splicing (PMID: 17576681, 9536098). Algorithms developed to predict the effect of sequence changes on RNA splicing suggest that this variant is not likely to affect RNA splicing. This variant has not been reported in the literature in individuals affected with BEST1-related conditions. This variant is not present in population databases (gnomAD no frequency). This sequence change falls in intron 9 of the BEST1 gene. It does not directly change the encoded amino acid sequence of the BEST1 protein. It affects a nucleotide within the consensus splice site.

Literature cited by the submitters: PubMed 17576681; PubMed 9536098.